The following is an entry in ClinVar:

ClinVar aggregate classification (germline): Uncertain significance (1 of 4 stars; one submission).

Allele frequency attached by ClinVar (database versions not stated): gnomAD exomes below 0.00001; ExAC 0.00002.

Submission:

Ambry Genetics
Classification: Uncertain significance. Last evaluated: 2022-03-13. Review status: criteria provided, single submitter. Criteria: Ambry Variant Classification Scheme 2023. Collection method: clinical testing. Allele origin: germline.
Comment: The p.G482R variant (also known as c.1444G>A), located in coding exon 1 of the MLH3 gene, results from a G to A substitution at nucleotide position 1444. The glycine at codon 482 is replaced by arginine, an amino acid with dissimilar properties. This amino acid position is conserved. In addition, this alteration is predicted to be tolerated by in silico analysis. Since supporting evidence is limited at this time, the clinical significance of this alteration remains unclear.

NM_001040108.2(MLH3):c.1444G>A (p.Gly482Arg)

Gene: MLH3 (mutL homolog 3; minus strand). Cytogenetic location: 14q24.3.
Variant type: single nucleotide variant.
Coding change: c.1444G>A on transcript NM_001040108.2 (MANE Select); coding-DNA position 1444, G replaced by A.
Protein change: p.Gly482Arg; replaces glycine 482 with arginine.
Molecular consequence: missense variant.
Genome position (GRCh38, 1-based): chr14:75,048,212, C>T on the plus strand (G>A on the coding strand, the complement: MLH3 is on the minus strand). VCF-style: chr14-75048212-C-T. GRCh37 (hg19) VCF-style: chr14-75514915-C-T.
Other names: c.1444G>A, p.Gly482Arg (NM_014381.3); short protein forms G482R.
Identifiers: ClinVar variation 1772775 (VCV001772775.2), dbSNP rs749884274, ClinGen allele CA7275874.